The following is an entry in ClinVar:

ClinVar aggregate classification (germline): Uncertain significance. Review status: criteria provided, multiple submitters, no conflicts (2 of 4 stars). 6 submissions from 6 submitters: Uncertain significance (5). 1 of the submissions does not count toward it. Last evaluated 2025-04-22.

Conditions:
LAMA2-related muscular dystrophy (LAMA2-RD). Also called: Laminin alpha 2-related dystrophy. Identifiers: MedGen C5679788, MONDO:0100228.
Merosin deficient congenital muscular dystrophy (MDC1A). Also called: Congenital merosin-deficient muscular dystrophy 1A; Congenital Muscular Dystrophy Type 1A (MDC1A). Identifiers: Orphanet 258, MedGen C1263858, MONDO:0011925, OMIM 607855.
Inborn genetic diseases. Identifiers: MedGen C0950123, MeSH D030342.

Allele frequency attached by ClinVar (database versions not stated): TOPMed 0.00006; ESP Exome Variant Server 0.00008; 1000 Genomes Project 30x 0.00016.
gnomAD v4.1: 112 of 1,614,048 alleles (0.0069%); highest among the groups gnomAD compares: Non-Finnish European, 0.0091%; no homozygotes.

Submissions (6):

Revvity Omics, Revvity
Classification: Uncertain significance. Last evaluated: 2025-04-22. Review status: criteria provided, single submitter. Criteria: ACMG Guidelines, 2015. Collection method: clinical testing. Allele origin: germline.

Blueprint Genetics
Classification: Uncertain significance. Last evaluated: 2024-03-26. Review status: criteria provided, single submitter. Criteria: ACMG Guidelines, 2015. Collection method: clinical testing. Allele origin: germline.

GeneDx
Classification: Uncertain significance. Last evaluated: 2024-01-28. Review status: criteria provided, single submitter. Criteria: GeneDx Variant Classification Process June 2021. Collection method: clinical testing. Allele origin: germline. Affected: yes.
Comment: Not observed at significant frequency in large population cohorts (gnomAD); In silico analysis supports that this missense variant has a deleterious effect on protein structure/function; Has not been previously published as pathogenic or benign to our knowledge

Labcorp Genetics (formerly Invitae), Labcorp
Classification: Uncertain significance for LAMA2-related muscular dystrophy. Last evaluated: 2022-04-20. Review status: criteria provided, single submitter. Criteria: Invitae Variant Classification Sherloc (09022015). Collection method: clinical testing. Allele origin: germline.
Comment: This sequence change replaces proline, which is neutral and non-polar, with alanine, which is neutral and non-polar, at codon 1232 of the LAMA2 protein (p.Pro1232Ala). This variant is present in population databases (rs201391981, gnomAD 0.01%). This variant has not been reported in the literature in individuals affected with LAMA2-related conditions. ClinVar contains an entry for this variant (Variation ID: 652146). Advanced modeling of protein sequence and biophysical properties (such as structural, functional, and spatial information, amino acid conservation, physicochemical variation, residue mobility, and thermodynamic stability) performed at Invitae indicates that this missense variant is not expected to disrupt LAMA2 protein function. In summary, the available evidence is currently insufficient to determine the role of this variant in disease. Therefore, it has been classified as a Variant of Uncertain Significance.

Ambry Genetics
Classification: Uncertain significance for Inborn genetic diseases. Last evaluated: 2018-11-19. Review status: criteria provided, single submitter. Criteria: Ambry exome assertion method (8-5-2015). Collection method: clinical testing. Allele origin: germline. Affected: yes. Observed: 1 variant allele.

Undiagnosed Diseases Network, NIH
Classification: Uncertain significance for Merosin deficient congenital muscular dystrophy. Last evaluated: 2024-06-13. Review status: no assertion criteria provided. Collection method: clinical testing. Allele origin: paternal. Affected: yes. Observed: 1 variant allele, 1 compound heterozygote. Study: Undiagnosed Diseases Network (NIH), UDN. Not counted in ClinVar's aggregate classification.

NM_000426.4(LAMA2):c.3694C>G (p.Pro1232Ala)

Gene: LAMA2 (laminin subunit alpha 2; plus strand). Cytogenetic location: 6q22.33.
Variant type: single nucleotide variant.
Coding change: c.3694C>G on transcript NM_000426.4 (MANE Select); coding-DNA position 3694, C replaced by G.
Protein change: p.Pro1232Ala; replaces proline 1232 with alanine.
Molecular consequence: missense variant.
Genome position (GRCh38, 1-based): chr6:129,315,614, C>G. VCF-style: chr6-129315614-C-G. GRCh37 (hg19) VCF-style: chr6-129636759-C-G.
Other names: p.P1232A; c.3694C>G, p.Pro1232Ala (NM_001079823.2); short protein forms P1232A.
Identifiers: ClinVar variation 652146 (VCV000652146.13), dbSNP rs201391981, ClinGen allele CA3993331.